The following is an entry in ClinVar:

NM_001376.5(DYNC1H1):c.1834G>A (p.Val612Met)

Gene: DYNC1H1 (dynein cytoplasmic 1 heavy chain 1; plus strand). Cytogenetic location: 14q32.31.
Variant type: single nucleotide variant.
Coding change: c.1834G>A on transcript NM_001376.5 (MANE Select); coding-DNA position 1834, G replaced by A.
Protein change: p.Val612Met; replaces valine 612 with methionine.
Molecular consequence: missense variant.
Genome position (GRCh38, 1-based): chr14:101,986,059, G>A. VCF-style: chr14-101986059-G-A. GRCh37 (hg19) VCF-style: chr14-102452396-G-A.
Other names: short protein forms V612M.
Identifiers: ClinVar variation 637518 (VCV000637518.43), dbSNP rs1555408333, ClinGen allele CA391019454.
Genomic context (GRCh38, chr14:101,986,059, plus strand): 5'-TTTGTCAGGCCTCACATCCGTGGGGCCATTCGCGAATACCAGACCCAGCTGATCCAGCGC[G>A]TGAAAGATGACATTGAGTCTCTTCACGACAAGTTCAAGGTCCAGTACCCACAGAGTCAGG-3'
Protein context (NP_001367.2, residues 602-622): REYQTQLIQR[Val612Met]KDDIESLHDK

ClinVar aggregate classification (germline): Pathogenic. Review status: criteria provided, multiple submitters, no conflicts (2 of 4 stars). 5 submissions from 5 submitters: Pathogenic (3). 2 of the submissions do not count toward it. Last evaluated 2024-08-22.

Conditions:
DYNC1H1-related disorder. Also called: DYNC1H1-related condition; DYNC1H1-related disorders. Identifiers: MedGen CN381529.
Charcot-Marie-Tooth disease axonal type 2O. Also called: Charcot-Marie-Tooth disease, axonal, type 20; CHARCOT-MARIE-TOOTH NEUROPATHY, AXONAL, TYPE 2O; CHARCOT-MARIE-TOOTH DISEASE, AXONAL, AUTOSOMAL DOMINANT, TYPE 2O; Charcot-Marie-Tooth Neuropathy Type 2O. Identifiers: Orphanet 284232, MedGen C3280220, MONDO:0013644, OMIM 614228.
Neuronopathy, distal hereditary motor, autosomal dominant. Also called: Autosomal dominant distal hereditary motor neuropathy. Identifiers: Orphanet 140465, MedGen C5548212, MONDO:0015362.

Submissions (5):

Labcorp Genetics (formerly Invitae), Labcorp
Classification: Pathogenic for Charcot-Marie-Tooth disease axonal type 2O. Last evaluated: 2024-08-22. Review status: criteria provided, single submitter. Criteria: Invitae Variant Classification Sherloc (09022015). Collection method: clinical testing. Allele origin: germline.
Comment: This sequence change replaces valine, which is neutral and non-polar, with methionine, which is neutral and non-polar, at codon 612 of the DYNC1H1 protein (p.Val612Met). This variant is not present in population databases (gnomAD no frequency). This missense change has been observed in individuals with congenital myopathy and/or spinal muscular atrophy (PMID: 25609763, 31127727). ClinVar contains an entry for this variant (Variation ID: 637518). Invitae Evidence Modeling of protein sequence and biophysical properties (such as structural, functional, and spatial information, amino acid conservation, physicochemical variation, residue mobility, and thermodynamic stability) indicates that this missense variant is expected to disrupt DYNC1H1 protein function with a positive predictive value of 95%. For these reasons, this variant has been classified as Pathogenic.

Blueprint Genetics
Classification: Pathogenic for DYNC1H1-related disorders. Last evaluated: 2021-02-15. Review status: criteria provided, single submitter. Criteria: ACMG Guidelines, 2015. Collection method: clinical testing. Allele origin: germline. Affected: yes. Observed: 1 variant allele.

CeGaT Center for Human Genetics Tuebingen
Classification: Pathogenic. Last evaluated: 2021-01-01. Review status: criteria provided, single submitter. Criteria: CeGaT Center For Human Genetics Tuebingen Variant Classification Criteria Version 2. Collection method: clinical testing. Allele origin: germline. Affected: yes. Observed: 1 variant allele.

Inherited Neuropathy Consortium Ii, University Of Miami
Classification: Uncertain significance for Charcot-Marie-Tooth disease axonal type 2O. Last evaluated: 2016-01-06. Review status: no assertion criteria provided. Collection method: literature only. Allele origin: germline. Affected: yes. Not counted in ClinVar's aggregate classification.

Inherited Neuropathy Consortium
Classification: Uncertain significance for Autosomal dominant distal hereditary motor neuropathy. Review status: no assertion criteria provided. Collection method: literature only. Allele origin: germline. Affected: yes. Not counted in ClinVar's aggregate classification.

Literature cited by the submitters: PubMed 25609763 (cited by 3 submitters); PubMed 31127727 (cited by Labcorp Genetics (formerly Invitae), Labcorp).